The following is an entry in ClinVar:

NM_001378615.1(CC2D2A):c.3026T>C (p.Leu1009Pro)

Genes: CC2D2A (coiled-coil and C2 domain containing 2A; plus strand), FBXL5 (F-box and leucine rich repeat protein 5; minus strand). Cytogenetic location: 4p15.32.
Variant type: single nucleotide variant.
Coding change: c.3026T>C on transcript NM_001378615.1 (MANE Select); coding-DNA position 3026, T replaced by C.
Protein change: p.Leu1009Pro; replaces leucine 1009 with proline.
Molecular consequence: missense variant.
Genome position (GRCh38, 1-based): chr4:15,563,366, T>C. VCF-style: chr4-15563366-T-C. GRCh37 (hg19) VCF-style: chr4-15564989-T-C.
Other names: c.3026T>C, p.Leu1009Pro (NM_001080522.2); c.2879T>C, p.Leu960Pro (NM_001378617.1); short protein forms L1009P, L960P.
Identifiers: ClinVar variation 1716038 (VCV001716038.6), dbSNP rs2475061477, ClinGen allele CA356415448.

ClinVar aggregate classification (germline): Uncertain significance (1 of 4 stars; one submission).

Conditions:
Meckel-Gruber syndrome. Also called: DYSENCEPHALIA SPLANCHNOCYSTICA; GRUBER SYNDROME; Dysencephalia splachnocystica. Identifiers: Orphanet 564, MedGen C0265215, MONDO:0018921.
Joubert syndrome. Also called: JOUBERT-BOLTSHAUSER SYNDROME; Familial aplasia of the vermis. Identifiers: Orphanet 475, MedGen C5979921, MONDO:0018772.

Submission:

Labcorp Genetics (formerly Invitae), Labcorp
Classification: Uncertain significance for Joubert syndrome; Meckel-Gruber syndrome. Last evaluated: 2022-08-10. Review status: criteria provided, single submitter. Criteria: Invitae Variant Classification Sherloc (09022015). Collection method: clinical testing. Allele origin: germline.
Comment: In summary, the available evidence is currently insufficient to determine the role of this variant in disease. Therefore, it has been classified as a Variant of Uncertain Significance. Algorithms developed to predict the effect of sequence changes on RNA splicing suggest that this variant may disrupt the consensus splice site. Advanced modeling of protein sequence and biophysical properties (such as structural, functional, and spatial information, amino acid conservation, physicochemical variation, residue mobility, and thermodynamic stability) performed at Invitae indicates that this missense variant is expected to disrupt CC2D2A protein function. This variant has not been reported in the literature in individuals affected with CC2D2A-related conditions. This variant is not present in population databases (gnomAD no frequency). This sequence change replaces leucine, which is neutral and non-polar, with proline, which is neutral and non-polar, at codon 1009 of the CC2D2A protein (p.Leu1009Pro).